The following is an entry in ClinVar:

NM_000412.5(HRG):c.808C>T (p.Arg270Cys)

Gene: HRG (histidine rich glycoprotein; plus strand). Cytogenetic location: 3q27.3.
Variant type: single nucleotide variant.
Coding change: c.808C>T on transcript NM_000412.5 (MANE Select); coding-DNA position 808, C replaced by T.
Protein change: p.Arg270Cys; replaces arginine 270 with cysteine.
Molecular consequence: missense variant.
Genome position (GRCh38, 1-based): chr3:186,677,113, C>T. VCF-style: chr3-186677113-C-T. GRCh37 (hg19) VCF-style: chr3-186394902-C-T.
Other names: short protein forms R270C.
Identifiers: ClinVar variation 4873542 (VCV004873542.2).

ClinVar aggregate classification (germline): Likely benign (1 of 4 stars; one submission).

gnomAD v4.1: 21 of 1,613,828 alleles (0.0013%); highest among the groups gnomAD compares: Non-Finnish European, 0.0017%; 1 homozygote.

Submission:

CeGaT Center for Human Genetics Tuebingen
Classification: Likely benign. Last evaluated: 2026-04-01. Review status: criteria provided, single submitter. Criteria: CeGaT Center For Human Genetics Tuebingen Variant Classification Criteria Version 2. Collection method: clinical testing. Allele origin: germline. Affected: yes. Observed: 1 variant allele.
Comment: HRG: BP4